The following is an entry in ClinVar:

NM_001365536.1(SCN9A):c.2332A>T (p.Ile778Leu)

Genes: SCN9A (sodium voltage-gated channel alpha subunit 9; minus strand), SCN1A-AS1 (SCN1A and SCN9A antisense RNA 1; plus strand). Cytogenetic location: 2q24.3.
Variant type: single nucleotide variant.
Coding change: c.2332A>T on transcript NM_001365536.1 (MANE Select); coding-DNA position 2332, A replaced by T.
Protein change: p.Ile778Leu; replaces isoleucine 778 with leucine.
Molecular consequence: missense variant.
Genome position (GRCh38, 1-based): chr2:166,280,368, T>A on the plus strand (A>T on the coding strand, the complement: SCN9A is on the minus strand). VCF-style: chr2-166280368-T-A. GRCh37 (hg19) VCF-style: chr2-167136878-T-A.
Other names: c.2299A>T, p.Ile767Leu (NM_002977.4); short protein forms I767L, I778L.
Identifiers: ClinVar variation 2929506 (VCV002929506.3), dbSNP rs544352696, ClinGen allele CA349079349.

ClinVar aggregate classification (germline): Uncertain significance (1 of 4 stars; one submission).

Conditions:
Neuropathy, hereditary sensory and autonomic, type 2A (HSAN2A). Also called: ACROOSTEOLYSIS, GIACCAI TYPE; ACROOSTEOLYSIS, NEUROGENIC; WNK1-Related HSAN2 (HSAN2A); MORVAN DISEASE; NEUROPATHY, CONGENITAL SENSORY; NEUROPATHY, HEREDITARY SENSORY RADICULAR, AUTOSOMAL RECESSIVE. Identifiers: Orphanet 970, MedGen C2752089, MONDO:0024309, OMIM 201300.
Generalized epilepsy with febrile seizures plus, type 7 (GEFSP7). Also called: GEFS+, TYPE 7. Identifiers: Orphanet 36387, MedGen C2751778, MONDO:0013470, OMIM 613863.

Submission:

Labcorp Genetics (formerly Invitae), Labcorp
Classification: Uncertain significance for Neuropathy, hereditary sensory and autonomic, type 2A; Generalized epilepsy with febrile seizures plus, type 7. Last evaluated: 2022-12-02. Review status: criteria provided, single submitter. Criteria: Invitae Variant Classification Sherloc (09022015). Collection method: clinical testing. Allele origin: germline.
Comment: In summary, the available evidence is currently insufficient to determine the role of this variant in disease. Therefore, it has been classified as a Variant of Uncertain Significance. Advanced modeling of protein sequence and biophysical properties (such as structural, functional, and spatial information, amino acid conservation, physicochemical variation, residue mobility, and thermodynamic stability) performed at Invitae indicates that this missense variant is not expected to disrupt SCN9A protein function. This variant has not been reported in the literature in individuals affected with SCN9A-related conditions. This variant is not present in population databases (gnomAD no frequency). This sequence change replaces isoleucine, which is neutral and non-polar, with leucine, which is neutral and non-polar, at codon 767 of the SCN9A protein (p.Ile767Leu).